The following is an entry in ClinVar:

NM_004984.4(KIF5A):c.2362G>T (p.Ala788Ser)

Gene: KIF5A (kinesin family member 5A; plus strand). Cytogenetic location: 12q13.3.
Variant type: single nucleotide variant.
Coding change: c.2362G>T on transcript NM_004984.4 (MANE Select); coding-DNA position 2362, G replaced by T.
Protein change: p.Ala788Ser; replaces alanine 788 with serine.
Molecular consequence: missense variant.
Genome position (GRCh38, 1-based): chr12:57,578,009, G>T. VCF-style: chr12-57578009-G-T. GRCh37 (hg19) VCF-style: chr12-57971792-G-T.
Other names: c.2095G>T, p.Ala699Ser (NM_001354705.2); short protein forms A699S, A788S.
Identifiers: ClinVar variation 4810954 (VCV004810954.1).

ClinVar aggregate classification (germline): Uncertain significance (1 of 4 stars; one submission).

Conditions:
Spastic paraplegia. Identifiers: MedGen C0037772, HP:0001258.

gnomAD v4.1: 1 of 1,613,600 alleles (0.000062%); no homozygotes.

Submission:

Labcorp Genetics (formerly Invitae), Labcorp
Classification: Uncertain significance for Spastic paraplegia. Last evaluated: 2025-11-17. Review status: criteria provided, single submitter. Criteria: Invitae Variant Classification Sherloc (09022015). Collection method: clinical testing. Allele origin: germline.
Comment: This sequence change replaces alanine, which is neutral and non-polar, with serine, which is neutral and polar, at codon 788 of the KIF5A protein (p.Ala788Ser). This variant is not present in population databases (gnomAD no frequency). This variant has not been reported in the literature in individuals affected with KIF5A-related conditions. An algorithm developed to predict the effect of missense changes on protein structure and function (PolyPhen-2) suggests that this variant is likely to be disruptive. In summary, the available evidence is currently insufficient to determine the role of this variant in disease. Therefore, it has been classified as a Variant of Uncertain Significance.